The following is an entry in ClinVar:

ClinVar aggregate classification (germline): Uncertain significance (1 of 4 stars; one submission).

Conditions:
Developmental and epileptic encephalopathy, 30 (DEE30). Also called: Epileptic encephalopathy, early infantile, 30. Identifiers: MedGen C4225360, MONDO:0014595, OMIM 616341.

Submission:

Labcorp Genetics (formerly Invitae), Labcorp
Classification: Uncertain significance for Developmental and epileptic encephalopathy, 30. Last evaluated: 2019-12-04. Review status: criteria provided, single submitter. Criteria: Invitae Variant Classification Sherloc (09022015). Collection method: clinical testing. Allele origin: germline.
Comment: In summary, the available evidence is currently insufficient to determine the role of this variant in disease. Therefore, it has been classified as a Variant of Uncertain Significance. The current clinical and genetic evidence is not sufficient to establish whether loss-of-function variants in SIK1 cause disease. This variant has not been reported in the literature in individuals with SIK1-related conditions. This variant is not present in population databases (ExAC no frequency). This sequence change creates a premature translational stop signal (p.Asp459Alafs*2) in the SIK1 gene. It is expected to result in an absent or disrupted protein product.

NM_173354.5(SIK1):c.1376_1381delinsCCTAGGAG (p.Asp459_Gln461delinsAlaTer)

Gene: SIK1 (salt inducible kinase 1; minus strand). Cytogenetic location: 21q22.3.
Variant type: Indel.
Coding change: c.1376_1381delinsCCTAGGAG on transcript NM_173354.5 (MANE Select); coding-DNA positions 1376 to 1381, ACACGC replaced by CCTAGGAG.
Protein change: p.Asp459_Gln461delinsAlaTer.
Molecular consequence: nonsense.
Genome position (GRCh38, 1-based): chr21:43,419,102-43,419,107, GCGTGT replaced by CTCCTAGG on the plus strand (ACACGC replaced by CCTAGGAG on the coding strand, the reverse complement: SIK1 is on the minus strand). VCF-style: chr21-43419102-GCGTGT-CTCCTAGG. GRCh37 (hg19) VCF-style: chr21-44838982-GCGTGT-CTCCTAGG.
Identifiers: ClinVar variation 971830 (VCV000971830.6), dbSNP rs2081045356, ClinGen allele CA1139666892.
Genomic context (GRCh38, chr21:43,419,102, plus strand): 5'-GGCGGGTGGAGACCTCGGCCAGGGTGTGCCTCCGGCCCGTGCTGCTGGGCAGGGACTCCT[GCGTGT>CTCCTAGG]CCTGCTCCTCCTCTAGGCCCGGCCCCTGCCTGGCCTCCTCACTGATGGCTGTGTCCAGCA-3'